The following is an entry in ClinVar:

ClinVar aggregate classification (germline): Uncertain significance (1 of 4 stars; one submission).

Allele frequency attached by ClinVar (database versions not stated): gnomAD exomes below 0.00001; TOPMed 0.00003.
gnomAD v4.1: 2 of 1,613,816 alleles (0.00012%); highest among the groups gnomAD compares: Admixed American, 0.0033%; no homozygotes.

Submission:

Labcorp Genetics (formerly Invitae), Labcorp
Classification: Uncertain significance. Last evaluated: 2022-02-25. Review status: criteria provided, single submitter. Criteria: Invitae Variant Classification Sherloc (09022015). Collection method: clinical testing. Allele origin: germline.
Comment: In summary, the available evidence is currently insufficient to determine the role of this variant in disease. Therefore, it has been classified as a Variant of Uncertain Significance. Variants that disrupt the consensus splice site are a relatively common cause of aberrant splicing (PMID: 17576681, 9536098). Algorithms developed to predict the effect of sequence changes on RNA splicing suggest that this variant is not likely to affect RNA splicing. This variant has not been reported in the literature in individuals affected with ARHGEF18-related conditions. This variant is present in population databases (no rsID available, gnomAD 0.006%). This sequence change affects codon 539 of the ARHGEF18 mRNA. It is a 'silent' change, meaning that it does not change the encoded amino acid sequence of the ARHGEF18 protein. This variant also falls at the last nucleotide of exon 8, which is part of the consensus splice site for this exon.

Literature cited by the submitters: PubMed 17576681; PubMed 9536098.

NM_001367823.1(ARHGEF18):c.2181G>A (p.Val727=)

Gene: ARHGEF18 (Rho/Rac guanine nucleotide exchange factor 18; plus strand). Cytogenetic location: 19p13.2.
Variant type: single nucleotide variant.
Coding change: c.2181G>A on transcript NM_001367823.1 (MANE Select); coding-DNA position 2181, G replaced by A.
Protein change: p.Val727=; no amino-acid change (valine 727 retained).
Molecular consequence: synonymous variant.
Genome position (GRCh38, 1-based): chr19:7,456,403, G>A. VCF-style: chr19-7456403-G-A. GRCh37 (hg19) VCF-style: chr19-7521289-G-A.
Other names: c.1455G>A, p.Val485= (NM_001130955.2); c.1143G>A, p.Val381= (NM_001367824.1, NM_015318.4).
Identifiers: ClinVar variation 1900505 (VCV001900505.5), dbSNP rs1333359204, ClinGen allele CA505227002.